The following is an entry in ClinVar:

NM_004429.5(EFNB1):c.1A>G (p.Met1Val)

Gene: EFNB1 (ephrin B1; plus strand). Cytogenetic location: Xq13.1.
Variant type: single nucleotide variant.
Coding change: c.1A>G on transcript NM_004429.5 (MANE Select); coding-DNA position 1, A replaced by G.
Protein change: p.Met1Val; changes the start codon (methionine 1).
Molecular consequence: missense variant, initiator codon variant.
Genome position (GRCh38, 1-based): chrX:68,829,777, A>G. VCF-style: chrX-68829777-A-G. GRCh37 (hg19) VCF-style: chrX-68049620-A-G.
Other names: short protein forms M1V.
Identifiers: ClinVar variation 3724251 (VCV003724251.2).

ClinVar aggregate classification (germline): Pathogenic. Review status: criteria provided, multiple submitters, no conflicts (2 of 4 stars). 2 submissions from 2 submitters: Pathogenic (2). Last evaluated 2025-11-20.

Conditions:
Craniofrontonasal syndrome (CFNS). Also called: CRANIOFRONTONASAL DYSOSTOSIS. Identifiers: Orphanet 1520, MedGen C0220767, MONDO:0010570, OMIM 304110.

Submissions (2):

Variantyx, Inc.
Classification: Pathogenic for Craniofrontonasal syndrome. Last evaluated: 2025-11-20. Review status: criteria provided, single submitter. Criteria: Variantyx Assertion Criteria 2022. Collection method: clinical testing. Allele origin: maternal. Inheritance: X-linked dominant inheritance.
Comment: This is a start-loss variant in the EFNB1 gene (OMIM: 300035). Pathogenic variants in this gene have been associated with X-linked craniofrontonasal dysplasia. This variant is expected to result in loss of function, which is a known disease mechanism for EFNB1 in this disorder (PMID: 15959873, 16685650) (PVS1). This variant is absent from control populations (PM2). Based on the current evidence, this variant is classified as pathogenic for X-linked craniofrontonasal dysplasia.

Labcorp Genetics (formerly Invitae), Labcorp
Classification: Pathogenic. Last evaluated: 2024-05-02. Review status: criteria provided, single submitter. Criteria: Invitae Variant Classification Sherloc (09022015). Collection method: clinical testing. Allele origin: germline.
Comment: This sequence change affects the initiator methionine of the EFNB1 mRNA. The next in-frame methionine is located at codon 16. This variant is not present in population databases (gnomAD no frequency). Disruption of the initiator codon has been observed in individual(s) with craniofrontonasal syndrome (PMID: 15166289). In at least one individual the variant was observed to be de novo. For these reasons, this variant has been classified as Pathogenic.

Literature cited by the submitters: PubMed 15166289 (cited by Variantyx, Inc. and Labcorp Genetics (formerly Invitae), Labcorp); PubMed 15959873 (cited by Variantyx, Inc.); PubMed 16685650 (cited by Variantyx, Inc.).